The following is an entry in ClinVar:

ClinVar aggregate classification (germline): Uncertain significance (1 of 4 stars; one submission).

Conditions:
Primary ciliary dyskinesia. Also called: Ciliary dyskinesia. Identifiers: Orphanet 244, MedGen C0008780, MONDO:0016575, HP:0012265.

Submission:

Ambry Genetics
Classification: Uncertain significance for Primary ciliary dyskinesia. Last evaluated: 2017-03-10. Review status: criteria provided, single submitter. Criteria: Ambry Variant Classification Scheme 2023. Collection method: clinical testing. Allele origin: germline.
Comment: The p.Y4121S variant (also known as c.12362A>C), located in coding exon 75 of the DNAH11 gene, results from an A to C substitution at nucleotide position 12362. The tyrosine at codon 4121 is replaced by serine, an amino acid with dissimilar properties. This amino acid position is not well conserved in available vertebrate species. In addition, this alteration is predicted to be tolerated by in silico analysis. Since supporting evidence is limited at this time, the clinical significance of this alteration remains unclear.

NM_001277115.2(DNAH11):c.12362A>C (p.Tyr4121Ser)

Gene: DNAH11 (dynein axonemal heavy chain 11; plus strand). Cytogenetic location: 7p15.3.
Variant type: single nucleotide variant.
Coding change: c.12362A>C on transcript NM_001277115.2 (MANE Select); coding-DNA position 12362, A replaced by C.
Protein change: p.Tyr4121Ser; replaces tyrosine 4121 with serine.
Molecular consequence: missense variant.
Genome position (GRCh38, 1-based): chr7:21,880,868, A>C. VCF-style: chr7-21880868-A-C. GRCh37 (hg19) VCF-style: chr7-21920486-A-C.
Other names: c.12383A>C, p.Tyr4128Ser (NM_003777.3); short protein forms Y4121S, Y4128S.
Identifiers: ClinVar variation 1756764 (VCV001756764.2), dbSNP rs1381771115, ClinGen allele CA366964199.
Genomic context (GRCh38, chr7:21,880,868, plus strand): 5'-GCTGGAGCCGAAGCTATCCTTTTAATCCTGGAGACCTCACCATTTGTGCCAGTGTCCTCT[A>C]CAACTACTTAGAGGCAAACTCTAAAGTAAGTGCTAGTGGTCAAATAACCTCTTCCAAGGA-3'
Protein context (NP_001264044.1, residues 4111-4131): GDLTICASVL[Tyr4121Ser]NYLEANSKVP